The following is an entry in ClinVar:

ClinVar aggregate classification (germline): Uncertain significance (1 of 4 stars; one submission).

Conditions:
Glycogen storage disease, type II (IOPD). Also called: Pompe Disease; CARDIOMEGALIA GLYCOGENICA DIFFUSA; GLYCOGENOSIS, GENERALIZED, CARDIAC FORM; GSD II; POMPE DISEASE, INFANTILE-ONSET; GLYCOGEN STORAGE DISEASE II, INFANTILE-ONSET. Identifiers: Orphanet 365, MedGen C0017921, MONDO:0009290, OMIM 232300.

Submission:

Genomenon, Inc
Classification: Uncertain significance for Glycogen storage disease, type II. Last evaluated: 2026-07-01. Review status: criteria provided, single submitter. Criteria: Genomenon Sequence Variant Interpretation Standards - Updated. Collection method: curation. Allele origin: germline. Affected: yes.
Comment: GAA p.Phe490Leu (c.1470C>A) is a missense variant that changes the amino acid at codon 490 from Phenylalanine to Leucine. This variant has been observed in at least one proband with a GAA-related disorder in the compound heterozygous and/or homozygous state (PMID:29181627). It is absent or not present at a significant frequency in gnomAD. In silico models predict that this variant is possibly or probably damaging. In conclusion, we classify GAA p.Phe490Leu (c.1470C>A) as a variant of uncertain significance.

Literature cited by the submitters: PubMed 29181627.

NM_000152.5(GAA):c.1470C>A (p.Phe490Leu)

Gene: GAA (alpha glucosidase; plus strand). Cytogenetic location: 17q25.3.
Variant type: single nucleotide variant.
Coding change: c.1470C>A on transcript NM_000152.5 (MANE Select); coding-DNA position 1470, C replaced by A.
Protein change: p.Phe490Leu; replaces phenylalanine 490 with leucine.
Molecular consequence: missense variant.
Genome position (GRCh38, 1-based): chr17:80,110,759, C>A. VCF-style: chr17-80110759-C-A. GRCh37 (hg19) VCF-style: chr17-78084558-C-A.
Other names: c.1470C>A, p.Phe490Leu (NM_001079803.3, NM_001079804.3, NM_001406741.1 and 1 more transcripts); short protein forms F490L.
Identifiers: ClinVar variation 4876497 (VCV004876497.1).